The following is an entry in ClinVar:

ClinVar aggregate classification (germline): Uncertain significance (1 of 4 stars; one submission).

Submission:

GeneDx
Classification: Uncertain significance. Last evaluated: 2022-09-09. Review status: criteria provided, single submitter. Criteria: GeneDx Variant Classification Process June 2021. Collection method: clinical testing. Allele origin: germline. Affected: yes.
Comment: Not observed at significant frequency in large population cohorts (gnomAD); Frameshift variant predicted to result in protein truncation as the last 40 amino acids are replaced with 2 different amino acids, although loss-of-function variants have not been reported downstream of this position in the protein; Has not been previously published as pathogenic or benign to our knowledge

NM_015047.3(EMC1):c.2861del (p.Asp954fs)

Genes: EMC1 (ER membrane protein complex subunit 1; minus strand), EMC1-AS1 (EMC1 antisense RNA 1; plus strand). Cytogenetic location: 1p36.13.
Variant type: Deletion.
Coding change: c.2861del on transcript NM_015047.3 (MANE Select); coding-DNA position 2861, one base deleted (A; older notation c.2861delA).
Protein change: p.Asp954fs; shifts the reading frame from aspartic acid 954.
Molecular consequence: frameshift variant.
Genome position (GRCh38, 1-based): chr1:19,219,424, T deleted on the plus strand (A on the coding strand, the reverse complement: EMC1 is on the minus strand). VCF-style (leftmost placement, unchanged base first): chr1-19219423-GT-G. GRCh37 (hg19) VCF-style: chr1-19545917-GT-G.
Other names: c.2858del, p.Asp953fs (NM_001271427.2, NM_001271428.2); c.2795del, p.Asp932fs (NM_001271429.2); c.2870del, p.Asp957fs (NM_001375820.1); c.2867del, p.Asp956fs (NM_001375821.1); short protein forms D932fs, D953fs, D954fs, D956fs, D957fs.
Identifiers: ClinVar variation 2443546 (VCV002443546.1), dbSNP rs2536635015, ClinGen allele CA2580061408.
Genomic context (GRCh38, chr1:19,219,423, plus strand): 5'-AAAAACCAGGCCAAAGAGGACGCTGCTGATTAACACGTAGTCATAGTCATCCTTCAGAAC[GT>G]CAAACTGCTTGGATGGGTAGACTCGAGTTTGGTAAATGTCCAAACCATAGGCCACAACCT-3'